The following is an entry in ClinVar:

ClinVar aggregate classification (germline): Uncertain significance (1 of 4 stars; one submission).

Conditions:
Congenital myotonia, autosomal dominant form (THD). Also called: THOMSEN DISEASE; Myotonia congenita autosomal dominant. Identifiers: Orphanet 614, MedGen C2936781, MONDO:0008055, OMIM 160800.
Congenital myotonia, autosomal recessive form. Also called: Becker Generalized Myotonia; myotonia congenita, autosomal recessive; BECKER DISEASE. Identifiers: Orphanet 614, MedGen C0751360, MONDO:0009715, OMIM 255700.

gnomAD v4.1: 6 of 1,584,488 alleles (0.00038%); highest among the groups gnomAD compares: Non-Finnish European, 0.00052%; no homozygotes.

Submission:

Labcorp Genetics (formerly Invitae), Labcorp
Classification: Uncertain significance for Congenital myotonia, autosomal recessive form; Congenital myotonia, autosomal dominant form. Last evaluated: 2025-01-10. Review status: criteria provided, single submitter. Criteria: Invitae Variant Classification Sherloc (09022015). Collection method: clinical testing. Allele origin: germline.
Comment: This sequence change falls in intron 9 of the CLCN1 gene. It does not directly change the encoded amino acid sequence of the CLCN1 protein. This variant is present in population databases (rs375078253, gnomAD 0.0009%). This variant has not been reported in the literature in individuals affected with CLCN1-related conditions. Algorithms developed to predict the effect of sequence changes on RNA splicing suggest that this variant may disrupt the consensus splice site. In summary, the available evidence is currently insufficient to determine the role of this variant in disease. Therefore, it has been classified as a Variant of Uncertain Significance.

NM_000083.3(CLCN1):c.1065-12T>C

Gene: CLCN1 (chloride voltage-gated channel 1; plus strand). Cytogenetic location: 7q34.
Variant type: single nucleotide variant.
Coding change: c.1065-12T>C on transcript NM_000083.3 (MANE Select); 12 bases into the intron before coding-DNA position 1065, T replaced by C.
Molecular consequence: intron variant.
Genome position (GRCh38, 1-based): chr7:143,331,539, T>C. VCF-style: chr7-143331539-T-C. GRCh37 (hg19) VCF-style: chr7-143028632-T-C.
Identifiers: ClinVar variation 3759164 (VCV003759164.2).